The following is an entry in ClinVar:

NM_006767.4(LZTR1):c.499A>C (p.Ile167Leu)

Gene: LZTR1 (leucine zipper like post translational regulator 1; plus strand). Cytogenetic location: 22q11.21.
Variant type: single nucleotide variant.
Coding change: c.499A>C on transcript NM_006767.4 (MANE Select); coding-DNA position 499, A replaced by C.
Protein change: p.Ile167Leu; replaces isoleucine 167 with leucine.
Molecular consequence: missense variant.
Genome position (GRCh38, 1-based): chr22:20,988,108, A>C. VCF-style: chr22-20988108-A-C. GRCh37 (hg19) VCF-style: chr22-21342397-A-C.
Other names: short protein forms I167L.
Identifiers: ClinVar variation 1744630 (VCV001744630.8), dbSNP rs778265576, ClinGen allele CA10118448.

ClinVar aggregate classification (germline): Conflicting classifications of pathogenicity. Review status: criteria provided, conflicting classifications (1 of 4 stars). 4 submissions from 4 submitters: Uncertain significance (2); Likely benign (1). 1 of the submissions does not count toward it. Last evaluated 2026-01-06.

Conditions:
Cardiovascular phenotype. Identifiers: MedGen CN230736.
Hereditary cancer-predisposing syndrome. Also called: Hereditary Cancer Syndrome; Neoplastic Syndromes, Hereditary; Tumor predisposition; Hereditary neoplastic syndrome. Identifiers: Orphanet 140162, MedGen C0027672, MeSH D009386, MONDO:0015356.
LZTR1-related disorder. Also called: LZTR1-related disorders; LZTR1-related condition.
LZTR1-related schwannomatosis. Also called: Schwannomatosis-2, susceptibility to; Schwannomatosis 2. Identifiers: Orphanet 93921, MedGen C3810283, MONDO:0014299, OMIM 615670.

Allele frequency attached by ClinVar (database versions not stated): gnomAD exomes below 0.00001; gnomAD 0.00001; TOPMed 0.00001; ExAC 0.00002.
gnomAD v4.1: 7 of 1,607,596 alleles (0.00044%); highest among the groups gnomAD compares: Non-Finnish European, 0.0006%; no homozygotes.

Submissions (4):

Labcorp Genetics (formerly Invitae), Labcorp
Classification: Uncertain significance. Last evaluated: 2026-01-06. Review status: criteria provided, single submitter. Criteria: Invitae Variant Classification Sherloc (09022015). Collection method: clinical testing. Allele origin: germline.
Comment: This sequence change replaces isoleucine, which is neutral and non-polar, with leucine, which is neutral and non-polar, at codon 167 of the LZTR1 protein (p.Ile167Leu). This variant is present in population databases (rs778265576, gnomAD 0.004%). This variant has not been reported in the literature in individuals affected with LZTR1-related conditions. ClinVar contains an entry for this variant (Variation ID: 1744630). Invitae Evidence Modeling of protein sequence and biophysical properties (such as structural, functional, and spatial information, amino acid conservation, physicochemical variation, residue mobility, and thermodynamic stability) indicates that this missense variant is not expected to disrupt LZTR1 protein function with a negative predictive value of 80%. In summary, the available evidence is currently insufficient to determine the role of this variant in disease. Therefore, it has been classified as a Variant of Uncertain Significance.

Ambry Genetics
Classification: Likely benign for Cardiovascular phenotype; Hereditary cancer-predisposing syndrome. Last evaluated: 2024-10-31. Review status: criteria provided, single submitter. Criteria: Ambry Variant Classification Scheme 2023. Collection method: clinical testing. Allele origin: germline.

Baylor Genetics
Classification: Uncertain significance for LZTR1-related schwannomatosis. Last evaluated: 2023-08-04. Review status: criteria provided, single submitter. Criteria: ACMG Guidelines, 2015. Collection method: clinical testing. Allele origin: unknown.

PreventionGenetics, part of Exact Sciences
Classification: Uncertain significance for LZTR1-related condition. Last evaluated: 2024-04-29. Review status: no assertion criteria provided. Collection method: clinical testing. Allele origin: germline. Not counted in ClinVar's aggregate classification.
Comment: The LZTR1 c.499A>C variant is predicted to result in the amino acid substitution p.Ile167Leu. To our knowledge, this variant has not been reported in the literature. This variant is reported in 0.0044% of alleles in individuals of European (Non-Finnish) descent in gnomAD. At this time, the clinical significance of this variant is uncertain due to the absence of conclusive functional and genetic evidence.